The following is an entry in ClinVar:

NM_001183.6(ATP6AP1):c.473A>G (p.His158Arg)

Gene: ATP6AP1 (ATPase H+ transporting accessory protein 1; plus strand). Cytogenetic location: Xq28.
Variant type: single nucleotide variant.
Coding change: c.473A>G on transcript NM_001183.6 (MANE Select); coding-DNA position 473, A replaced by G.
Protein change: p.His158Arg; replaces histidine 158 with arginine.
Molecular consequence: missense variant.
Genome position (GRCh38, 1-based): chrX:154,432,375, A>G. VCF-style: chrX-154432375-A-G. GRCh37 (hg19) VCF-style: chrX-153660721-A-G.
Other names: c.473A>G (NM_001183.4); short protein forms H158R.
Identifiers: ClinVar variation 1308446 (VCV001308446.9), dbSNP rs1201151700, ClinGen allele CA415189696.

ClinVar aggregate classification (germline): Uncertain significance. Review status: criteria provided, multiple submitters, no conflicts (2 of 4 stars). 3 submissions from 3 submitters: Uncertain significance (3). Last evaluated 2025-06-18.

Conditions:
Inborn genetic diseases. Identifiers: MedGen C0950123, MeSH D030342.

Allele frequency attached by ClinVar (database versions not stated): gnomAD exomes below 0.00001; gnomAD 0.00001; TOPMed 0.00004.
gnomAD v4.1: 5 of 1,210,235 alleles (0.00041%); highest among the groups gnomAD compares: African/African-American, 0.0052%; no homozygotes.

Submissions (3):

Labcorp Genetics (formerly Invitae), Labcorp
Classification: Uncertain significance. Last evaluated: 2025-06-18. Review status: criteria provided, single submitter. Criteria: Invitae Variant Classification Sherloc (09022015). Collection method: clinical testing. Allele origin: germline.
Comment: This sequence change replaces histidine, which is basic and polar, with arginine, which is basic and polar, at codon 158 of the ATP6AP1 protein (p.His158Arg). This variant is not present in population databases (gnomAD no frequency). This variant has not been reported in the literature in individuals affected with ATP6AP1-related conditions. ClinVar contains an entry for this variant (Variation ID: 1308446). Invitae Evidence Modeling of protein sequence and biophysical properties (such as structural, functional, and spatial information, amino acid conservation, physicochemical variation, residue mobility, and thermodynamic stability) indicates that this missense variant is not expected to disrupt ATP6AP1 protein function with a negative predictive value of 80%. In summary, the available evidence is currently insufficient to determine the role of this variant in disease. Therefore, it has been classified as a Variant of Uncertain Significance.

Ambry Genetics
Classification: Uncertain significance for Inborn genetic diseases. Last evaluated: 2024-10-19. Review status: criteria provided, single submitter. Criteria: Ambry Variant Classification Scheme 2023. Collection method: clinical testing. Allele origin: germline.

GeneDx
Classification: Uncertain significance. Last evaluated: 2019-03-29. Review status: criteria provided, single submitter. Criteria: GeneDx Variant Classification Process June 2021. Collection method: clinical testing. Allele origin: germline. Affected: yes.
Comment: Not observed in large population cohorts (Lek et al., 2016); In silico analysis, which includes protein predictors and evolutionary conservation, supports a deleterious effect; Has not been previously published as pathogenic or benign to our knowledge